The following is an entry in ClinVar:

NM_002474.3(MYH11):c.5833C>T (p.Arg1945Cys)

Genes: MYH11 (myosin heavy chain 11; minus strand), NDE1 (nudE neurodevelopment protein 1; plus strand). Cytogenetic location: 16p13.11.
Variant type: single nucleotide variant.
Coding change: c.5833C>T on transcript NM_002474.3 (MANE Select); coding-DNA position 5833, C replaced by T.
Protein change: p.Arg1945Cys; replaces arginine 1945 with cysteine.
Molecular consequence: missense variant. On other transcripts: 3 prime UTR variant (2), intron variant (2).
Genome position (GRCh38, 1-based): chr16:15,704,077, G>A on the plus strand (C>T on the coding strand, the complement: MYH11 is on the minus strand). VCF-style: chr16-15704077-G-A. GRCh37 (hg19) VCF-style: chr16-15797934-G-A.
Other names: c.5854C>T, p.Arg1952Cys (NM_001040114.2); c.*55C>T (NM_022844.3, NM_001040113.2); c.947+7217G>A (NM_001143979.2, NM_017668.3); short protein forms R1952C, R1945C.
Identifiers: ClinVar variation 920086 (VCV000920086.6), dbSNP rs751862398, ClinGen allele CA7921056.

ClinVar aggregate classification (germline): Uncertain significance. Review status: criteria provided, multiple submitters, no conflicts (2 of 4 stars). 3 submissions from 3 submitters: Uncertain significance (3). Last evaluated 2022-02-25.

Conditions:
Familial thoracic aortic aneurysm and aortic dissection (TAAD). Also called: Thoracic aortic aneurysms and dissections. Identifiers: Orphanet 91387, MedGen C4707243, MONDO:0019625.

Allele frequency attached by ClinVar (database versions not stated): TOPMed 0.00001.
gnomAD v4.1: 10 of 1,613,868 alleles (0.00062%); highest among the groups gnomAD compares: African/African-American, 0.0027%; no homozygotes.

Submissions (3):

GeneDx
Classification: Uncertain significance. Last evaluated: 2022-02-25. Review status: criteria provided, single submitter. Criteria: GeneDx Variant Classification Process June 2021. Collection method: clinical testing. Allele origin: germline. Affected: yes.
Comment: Has not been previously published as pathogenic or benign to our knowledge; Not observed at significant frequency in large population cohorts (gnomAD); In silico analysis supports that this missense variant has a deleterious effect on protein structure/function

Ambry Genetics
Classification: Uncertain significance for Familial thoracic aortic aneurysm and aortic dissection. Last evaluated: 2021-09-20. Review status: criteria provided, single submitter. Criteria: Ambry Variant Classification Scheme 2023. Collection method: clinical testing. Allele origin: germline.
Comment: The p.R1945C variant (also known as c.5833C>T), located in coding exon 40 of the MYH11 gene, results from a C to T substitution at nucleotide position 5833. The arginine at codon 1945 is replaced by cysteine, an amino acid with highly dissimilar properties. This amino acid position is conserved. In addition, the in silico prediction for this alteration is inconclusive. Since supporting evidence is limited at this time, the clinical significance of this alteration remains unclear.

Color Diagnostics, LLC DBA Color Health
Classification: Uncertain significance for Familial thoracic aortic aneurysm and aortic dissection. Last evaluated: 2018-11-22. Review status: criteria provided, single submitter. Criteria: ACMG Guidelines, 2015. Collection method: clinical testing. Allele origin: germline.
Comment: Variant of Uncertain Significance due to insufficient evidence: This variant changes 1 nucleotide in the 3' untranslated region of the MYH11 gene. To our knowledge, functional assays have not been performed for this variant nor has this variant been reported in individuals affected with cardiovascular disorders in the literature. This variant has been identified in 2/246264 chromosomes in the general population by the Genome Aggregation Database (gnomAD). Available evidence is insufficient to determine the pathogenicity of this variant conclusively.